The following is an entry in ClinVar:

NM_005359.6(SMAD4):c.1139+12A>G

Gene: SMAD4 (SMAD family member 4; plus strand). Cytogenetic location: 18q21.2.
Variant type: single nucleotide variant.
Coding change: c.1139+12A>G on transcript NM_005359.6 (MANE Select); 12 bases into the intron after coding-DNA position 1139, A replaced by G.
Molecular consequence: intron variant.
Genome position (GRCh38, 1-based): chr18:51,065,618, A>G. VCF-style: chr18-51065618-A-G. GRCh37 (hg19) VCF-style: chr18-48591988-A-G.
Identifiers: ClinVar variation 1049479 (VCV001049479.7), dbSNP rs2144448157, ClinGen allele CA2499225212.

ClinVar aggregate classification (germline): Likely benign. Review status: criteria provided, single submitter (1 of 4 stars). 2 submissions from 2 submitters: Likely benign (1). 1 of the submissions does not count toward it. Last evaluated 2025-10-08.

Conditions:
Juvenile polyposis syndrome (JPS). Identifiers: Orphanet 2929, MedGen C0345893, MONDO:0017380, OMIM 174900.
Malignant tumor of breast. Also called: Malignant breast neoplasm; Cancer breast. Identifiers: MedGen C0006142, MONDO:0007254. Disease mechanism: loss of function.

Allele frequency attached by ClinVar (database versions not stated): gnomAD exomes below 0.00001.
gnomAD v4.1: 2 of 1,607,580 alleles (0.00012%); highest among the groups gnomAD compares: Non-Finnish European, 0.00017%; no homozygotes.

Submissions (2):

Labcorp Genetics (formerly Invitae), Labcorp
Classification: Likely benign for Juvenile polyposis syndrome. Last evaluated: 2025-10-08. Review status: criteria provided, single submitter. Criteria: Invitae Variant Classification Sherloc (09022015). Collection method: clinical testing. Allele origin: germline.

Department of Pathology and Laboratory Medicine, Sinai Health System
Classification: Likely benign for Malignant tumor of breast. Review status: no assertion criteria provided. Collection method: clinical testing. Allele origin: unknown. Affected: yes. Study: The Canadian Open Genetics Repository (COGR). Not counted in ClinVar's aggregate classification.
Comment: The SMAD4 c.1139+12A>G variant was not identified in the literature nor was it identified in the dbSNP, ClinVar, LOVD 3.0, Exome Aggregation Consortium (August 8th 2016), or the Genome Aggregation Database (Feb 27, 2017). The variant occurs at a non-highly conserved nucleotide outside of the splicing consensus sequence and in silico or computational prediction software programs (SpliceSiteFinder, MaxEntScan, NNSPLICE, GeneSplicer, HumanSpliceFinder) do not predict a difference in splicing. In summary, based on the above information the clinical significance of this variant cannot be determined with certainty at this time although we would lean towards a more benign role for this variant. This variant is classified as likely benign.